The following is an entry in ClinVar:

NM_172107.4(KCNQ2):c.2535C>G (p.Leu845=)

Gene: KCNQ2 (potassium voltage-gated channel subfamily Q member 2; minus strand). Cytogenetic location: 20q13.33.
Variant type: single nucleotide variant.
Coding change: c.2535C>G on transcript NM_172107.4 (MANE Select); coding-DNA position 2535, C replaced by G.
Protein change: p.Leu845=; no amino-acid change (leucine 845 retained).
Molecular consequence: synonymous variant.
Genome position (GRCh38, 1-based): chr20:63,406,728, G>C on the plus strand (C>G on the coding strand, the complement: KCNQ2 is on the minus strand). VCF-style: chr20-63406728-G-C. GRCh37 (hg19) VCF-style: chr20-62038081-G-C.
Other names: p.L845L:CTC>CTG; c.2589C>G, p.Leu863= (NM_001382235.1); c.2478C>G, p.Leu826= (NM_001439003.1); c.2448C>G, p.Leu816= (NM_001439004.1); c.2451C>G, p.Leu817= (NM_004518.6); c.2481C>G, p.Leu827= (NM_172106.3); c.2442C>G, p.Leu814= (NM_172108.5).
Identifiers: ClinVar variation 205852 (VCV000205852.16), dbSNP rs199621855, ClinGen allele CA315324.

ClinVar aggregate classification (germline): Benign/Likely benign. Review status: criteria provided, multiple submitters, no conflicts (2 of 4 stars). 5 submissions from 5 submitters: Benign (2); Likely benign (2). 1 of the submissions does not count toward it. Last evaluated 2025-10-27.

Conditions:
Early-infantile DEE. Also called: Early infantile epileptic encephalopathy; Ohtahara syndrome; Early infantile epileptic encephalopathy with suppression bursts. Identifiers: Orphanet 1934, MedGen C0393706, MONDO:0800491.
Inborn genetic diseases. Identifiers: MedGen C0950123, MeSH D030342.
KCNQ2-Related Disorders. Also called: KCNQ2-related condition; KCNQ2-related disorder. Identifiers: MedGen CN169299.

Allele frequency attached by ClinVar (database versions not stated): gnomAD exomes 0.00011; ExAC 0.00023; gnomAD 0.00032 and 0.00031; ESP Exome Variant Server 0.00015; TOPMed 0.00035; 1000 Genomes Project 0.00100; 1000 Genomes Project 30x 0.00109.
gnomAD v4.1: 96 of 1,609,036 alleles (0.006%); highest among the groups gnomAD compares: African/African-American, 0.12%; no homozygotes.

Submissions (5):

Labcorp Genetics (formerly Invitae), Labcorp
Classification: Benign for Early-infantile DEE. Last evaluated: 2025-10-27. Review status: criteria provided, single submitter. Criteria: Invitae Variant Classification Sherloc (09022015). Collection method: clinical testing. Allele origin: germline.

Blueprint Genetics
Classification: Likely benign. Last evaluated: 2023-12-05. Review status: criteria provided, single submitter. Criteria: ACMG Guidelines, 2015. Collection method: clinical testing. Allele origin: germline.

Ambry Genetics
Classification: Likely benign for Inborn genetic diseases. Last evaluated: 2019-08-23. Review status: criteria provided, single submitter. Criteria: Ambry Variant Classification Scheme 2023. Collection method: clinical testing. Allele origin: germline.

GeneDx
Classification: Benign. Last evaluated: 2014-10-13. Review status: criteria provided, single submitter. Criteria: GeneDx Variant Classification (06012015). Collection method: clinical testing. Allele origin: germline. Affected: yes.
Comment: This variant is considered likely benign or benign based on one or more of the following criteria: it is a conservative change, it occurs at a poorly conserved position in the protein, it is predicted to be benign by multiple in silico algorithms, and/or has population frequency not consistent with disease.

PreventionGenetics, part of Exact Sciences
Classification: Likely benign for KCNQ2-related condition. Last evaluated: 2024-07-11. Review status: no assertion criteria provided. Collection method: clinical testing. Allele origin: germline. Not counted in ClinVar's aggregate classification.
Comment: This variant is classified as likely benign based on ACMG/AMP sequence variant interpretation guidelines (Richards et al. 2015 PMID: 25741868, with internal and published modifications).